The following is an entry in ClinVar:

NM_001146156.2(GSK3B):c.959T>C (p.Leu320Pro)

Gene: GSK3B (glycogen synthase kinase 3 beta; minus strand). Cytogenetic location: 3q13.33.
Variant type: single nucleotide variant.
Coding change: c.959T>C on transcript NM_001146156.2 (MANE Select); coding-DNA position 959, T replaced by C.
Protein change: p.Leu320Pro; replaces leucine 320 with proline.
Molecular consequence: missense variant.
Genome position (GRCh38, 1-based): chr3:119,863,556, A>G on the plus strand (T>C on the coding strand, the complement: GSK3B is on the minus strand). VCF-style: chr3-119863556-A-G. GRCh37 (hg19) VCF-style: chr3-119582403-A-G.
Other names: c.959T>C, p.Leu320Pro (NM_001354596.2); c.998T>C, p.Leu333Pro (NM_002093.4); short protein forms L320P, L333P.
Identifiers: ClinVar variation 4532591 (VCV004532591.1).
Genomic context (GRCh38, chr3:119,863,556, plus strand): 5'-AAAAATGAATGTGCACAAGCTTCCAGTGGTGTTAGTCGGGCAGTTGGTGTATACTCCAGC[A>G]GACGGCTACACAGTGCAATTGCCTCCGGTGGAGTTCGGGGTCGGAAGACCTGCAGTACAA-3'
Protein context (NP_001139628.1, residues 310-330): PPEAIALCSR[Leu320Pro]LEYTPTARLT

ClinVar aggregate classification (germline): Uncertain significance (1 of 4 stars; one submission).

Submission:

GeneDx
Classification: Uncertain significance. Last evaluated: 2025-05-29. Review status: criteria provided, single submitter. Criteria: GeneDx Variant Classification Process June 2021. Collection method: clinical testing. Allele origin: germline. Affected: yes.
Comment: Not observed at significant frequency in large population cohorts (gnomAD); In silico analysis supports that this missense variant has a deleterious effect on protein structure/function; Has not been previously published as pathogenic or benign to our knowledge